The following is an entry in ClinVar:

NM_025074.7(FRAS1):c.7648A>T (p.Ile2550Phe)

Gene: FRAS1 (Fraser extracellular matrix complex subunit 1; plus strand). Cytogenetic location: 4q21.21.
Variant type: single nucleotide variant.
Coding change: c.7648A>T on transcript NM_025074.7 (MANE Select); coding-DNA position 7648, A replaced by T.
Protein change: p.Ile2550Phe; replaces isoleucine 2550 with phenylalanine.
Molecular consequence: missense variant.
Genome position (GRCh38, 1-based): chr4:78,473,563, A>T. VCF-style: chr4-78473563-A-T. GRCh37 (hg19) VCF-style: chr4-79394717-A-T.
Other names: short protein forms I2550F.
Identifiers: ClinVar variation 2292197 (VCV002292197.4), dbSNP rs1308805692, ClinGen allele CA357370790.

ClinVar aggregate classification (germline): Uncertain significance. Review status: criteria provided, multiple submitters, no conflicts (2 of 4 stars). 2 submissions from 2 submitters: Uncertain significance (2). Last evaluated 2024-05-23.

Conditions:
Inborn genetic diseases. Identifiers: MedGen C0950123, MeSH D030342.

Allele frequency attached by ClinVar (database versions not stated): gnomAD exomes below 0.00001.
gnomAD v4.1: 1 of 1,610,506 alleles (0.000062%); highest among the groups gnomAD compares: East Asian, 0.0022%; no homozygotes.

Submissions (2):

Labcorp Genetics (formerly Invitae), Labcorp
Classification: Uncertain significance. Last evaluated: 2024-05-23. Review status: criteria provided, single submitter. Criteria: Invitae Variant Classification Sherloc (09022015). Collection method: clinical testing. Allele origin: germline.
Comment: This sequence change replaces isoleucine, which is neutral and non-polar, with phenylalanine, which is neutral and non-polar, at codon 2550 of the FRAS1 protein (p.Ile2550Phe). This variant is present in population databases (no rsID available, gnomAD 0.006%). This variant has not been reported in the literature in individuals affected with FRAS1-related conditions. ClinVar contains an entry for this variant (Variation ID: 2292197). Advanced modeling of protein sequence and biophysical properties (such as structural, functional, and spatial information, amino acid conservation, physicochemical variation, residue mobility, and thermodynamic stability) performed at Invitae indicates that this missense variant is expected to disrupt FRAS1 protein function with a positive predictive value of 80%. In summary, the available evidence is currently insufficient to determine the role of this variant in disease. Therefore, it has been classified as a Variant of Uncertain Significance.

Ambry Genetics
Classification: Uncertain significance for Inborn genetic diseases. Last evaluated: 2022-05-27. Review status: criteria provided, single submitter. Criteria: Ambry Variant Classification Scheme 2023. Collection method: clinical testing. Allele origin: germline.